The following is an entry in ClinVar:

ClinVar aggregate classification (germline): Uncertain significance (1 of 4 stars; one submission).

Conditions:
Symmetrical dyschromatosis of extremities (DSH). Also called: RETICULATE ACROPIGMENTATION OF DOHI; SYMMETRIC DYSCHROMATOSIS OF THE EXTREMITIES; DYSCHROMATOSIS SYMMETRICA HEREDITARIA 1; Dyschromatosis symmetrica hereditaria. Identifiers: Orphanet 41, MedGen C0406775, MONDO:0007483, OMIM 127400.
Aicardi-Goutieres syndrome 6 (AGS6). Identifiers: Orphanet 51, MedGen C3539013, MONDO:0014007, OMIM 615010.

Allele frequency attached by ClinVar (database versions not stated): gnomAD exomes below 0.00001; ExAC 0.00001; TOPMed 0.00002; gnomAD 0.00001.
gnomAD v4.1: 4 of 1,614,080 alleles (0.00025%); highest among the groups gnomAD compares: African/African-American, 0.0053%; no homozygotes.

Submission:

Labcorp Genetics (formerly Invitae), Labcorp
Classification: Uncertain significance for Aicardi-Goutieres syndrome 6; Symmetrical dyschromatosis of extremities. Last evaluated: 2026-01-24. Review status: criteria provided, single submitter. Criteria: Invitae Variant Classification Sherloc (09022015). Collection method: clinical testing. Allele origin: germline.
Comment: This sequence change replaces proline, which is neutral and non-polar, with leucine, which is neutral and non-polar, at codon 36 of the ADAR protein (p.Pro36Leu). This variant is present in population databases (rs773991951, gnomAD 0.008%). This variant has not been reported in the literature in individuals affected with ADAR-related conditions. ClinVar contains an entry for this variant (Variation ID: 2940225). An algorithm developed to predict the effect of missense changes on protein structure and function outputs the following: PolyPhen-2: "Benign". The leucine amino acid residue is found in multiple mammalian species, which suggests that this missense change does not adversely affect protein function. In summary, the available evidence is currently insufficient to determine the role of this variant in disease. Therefore, it has been classified as a Variant of Uncertain Significance.

NM_001111.5(ADAR):c.107C>T (p.Pro36Leu)

Gene: ADAR (adenosine deaminase RNA specific; minus strand). Cytogenetic location: 1q21.3.
Variant type: single nucleotide variant.
Coding change: c.107C>T on transcript NM_001111.5 (MANE Select); coding-DNA position 107, C replaced by T.
Protein change: p.Pro36Leu; replaces proline 36 with leucine.
Molecular consequence: missense variant. On other transcripts: 5 prime UTR variant (6).
Genome position (GRCh38, 1-based): chr1:154,602,535, G>A on the plus strand (C>T on the coding strand, the complement: ADAR is on the minus strand). VCF-style: chr1-154602535-G-A. GRCh37 (hg19) VCF-style: chr1-154575011-G-A.
Other names: c.-779C>T (NM_001025107.3, NM_001193495.2, NM_001365048.1); c.134C>T, p.Pro45Leu (NM_001365045.1); c.-643C>T (NM_001365046.1, NM_001365047.1, NM_001365049.1); c.107C>T, p.Pro36Leu (NM_015840.4, NM_015841.4); short protein forms P36L, P45L.
Identifiers: ClinVar variation 2940225 (VCV002940225.3), dbSNP rs773991951, ClinGen allele CA1131763.